The following is an entry in ClinVar:

ClinVar aggregate classification (germline): Likely benign (1 of 4 stars; one submission).

Allele frequency attached by ClinVar (database versions not stated): ExAC 0.00001; gnomAD exomes below 0.00001.

Submission:

GeneDx
Classification: Likely benign. Last evaluated: 2017-12-14. Review status: criteria provided, single submitter. Criteria: GeneDx Variant Classification (06012015). Collection method: clinical testing. Allele origin: germline. Affected: yes.
Comment: This variant is considered likely benign or benign based on one or more of the following criteria: it is a conservative change, it occurs at a poorly conserved position in the protein, it is predicted to be benign by multiple in silico algorithms, and/or has population frequency not consistent with disease.

NM_033109.4(PNPT1):c.-48G>A

Gene: PNPT1 (polyribonucleotide nucleotidyltransferase 1; minus strand). Cytogenetic location: 2p16.1.
Variant type: single nucleotide variant.
Coding change: c.-48G>A on transcript NM_033109.4; 48 bases upstream of the start codon, G replaced by A.
Genome position (GRCh38, 1-based): chr2:55,693,871, C>T on the plus strand (G>A on the coding strand, the complement: PNPT1 is on the minus strand). VCF-style: chr2-55693871-C-T. GRCh37 (hg19) VCF-style: chr2-55921006-C-T.
Identifiers: ClinVar variation 514174 (VCV000514174.3), dbSNP rs747523552, ClinGen allele CA1668676.